The following is an entry in ClinVar:

NM_000152.5(GAA):c.2338G>C (p.Val780Leu)

Gene: GAA (alpha glucosidase; plus strand). Cytogenetic location: 17q25.3.
Variant type: single nucleotide variant.
Coding change: c.2338G>C on transcript NM_000152.5 (MANE Select); coding-DNA position 2338, G replaced by C.
Protein change: p.Val780Leu; replaces valine 780 with leucine.
Molecular consequence: missense variant.
Genome position (GRCh38, 1-based): chr17:80,117,606, G>C. VCF-style: chr17-80117606-G-C. GRCh37 (hg19) VCF-style: chr17-78091405-G-C.
Other names: c.2338G>C, p.Val780Leu (NM_001079803.3, NM_001079804.3); c.2338G>C (NM_000152.4); short protein forms V780L.
Identifiers: ClinVar variation 1475276 (VCV001475276.11), dbSNP rs1126690, ClinGen allele CA401324977.
Genomic context (GRCh38, chr17:80,117,606, plus strand): 5'-CAGCATGGGGGCCTCGGCACGGCCCAGAATCCTCAAAGCAACATCTCCCTCCAGGTGCCA[G>C]TAGAGGCCCTTGGCAGCCTCCCACCCCCACCTGCAGCTCCCCGTGAGCCAGCCATCCACA-3'
Protein context (NP_000143.2, residues 770-790): GTWYDLQTVP[Val780Leu]EALGSLPPPP

ClinVar aggregate classification (germline): Uncertain significance. Review status: criteria provided, multiple submitters, no conflicts (2 of 4 stars). 4 submissions from 4 submitters: Uncertain significance (3). 1 of the submissions does not count toward it. Last evaluated 2024-12-05.

Conditions:
Glycogen storage disease, type II (IOPD). Also called: GLYCOGENOSIS, GENERALIZED, CARDIAC FORM; GSD II; Glucosidase acid-1,4-alpha deficiency; Glycogen storage disease type 2; Acid maltase deficiency disease; Aglucosidase alfa. Identifiers: Orphanet 365, MedGen C0017921, MONDO:0009290, OMIM 232300.

gnomAD v4.1: 1 of 1,612,668 alleles (0.000062%); highest among the groups gnomAD compares: Non-Finnish European, 0.000085%; no homozygotes.

Submissions (4):

Revvity Omics, Revvity
Classification: Uncertain significance. Last evaluated: 2024-12-05. Review status: criteria provided, single submitter. Criteria: ACMG Guidelines, 2015. Collection method: clinical testing. Allele origin: germline.

Labcorp Genetics (formerly Invitae), Labcorp
Classification: Uncertain significance for Glycogen storage disease, type II. Last evaluated: 2024-12-02. Review status: criteria provided, single submitter. Criteria: Invitae Variant Classification Sherloc (09022015). Collection method: clinical testing. Allele origin: germline.
Comment: This sequence change replaces valine, which is neutral and non-polar, with leucine, which is neutral and non-polar, at codon 780 of the GAA protein (p.Val780Leu). This variant is not present in population databases (gnomAD no frequency). This missense change has been observed in individual(s) with clinical features of glycogen storage disease type II (PMID: 11854846). ClinVar contains an entry for this variant (Variation ID: 1475276). Invitae Evidence Modeling of protein sequence and biophysical properties (such as structural, functional, and spatial information, amino acid conservation, physicochemical variation, residue mobility, and thermodynamic stability) indicates that this missense variant is not expected to disrupt GAA protein function with a negative predictive value of 95%. In summary, the available evidence is currently insufficient to determine the role of this variant in disease. Therefore, it has been classified as a Variant of Uncertain Significance.

Fulgent Genetics
Classification: Uncertain significance for Glycogen storage disease, type II. Last evaluated: 2021-09-10. Review status: criteria provided, single submitter. Criteria: ACMG Guidelines, 2015. Collection method: clinical testing. Allele origin: unknown.

Natera, Inc.
Classification: Uncertain significance for Glycogen storage disease type II. Last evaluated: 2025-04-02. Review status: no assertion criteria provided. Collection method: clinical testing. Allele origin: germline. Not counted in ClinVar's aggregate classification.

Literature cited by the submitters: PubMed 11854846 (cited by Labcorp Genetics (formerly Invitae), Labcorp).